The following is an entry in ClinVar:

ClinVar aggregate classification (germline): Uncertain significance (1 of 4 stars; one submission).

Submission:

Labcorp Genetics (formerly Invitae), Labcorp
Classification: Uncertain significance. Last evaluated: 2022-01-28. Review status: criteria provided, single submitter. Criteria: Invitae Variant Classification Sherloc (09022015). Collection method: clinical testing. Allele origin: germline.
Comment: In summary, the available evidence is currently insufficient to determine the role of this variant in disease. Therefore, it has been classified as a Variant of Uncertain Significance. Algorithms developed to predict the effect of missense changes on protein structure and function are either unavailable or do not agree on the potential impact of this missense change (SIFT: "Not Available"; PolyPhen-2: "Benign"; Align-GVGD: "Not Available"). This variant has not been reported in the literature in individuals affected with HYOU1-related conditions. This variant is not present in population databases (gnomAD no frequency). This sequence change replaces lysine, which is basic and polar, with asparagine, which is neutral and polar, at codon 803 of the HYOU1 protein (p.Lys803Asn).

NM_006389.5(HYOU1):c.2409G>C (p.Lys803Asn)

Gene: HYOU1 (hypoxia up-regulated 1; minus strand). Cytogenetic location: 11q23.3.
Variant type: single nucleotide variant.
Coding change: c.2409G>C on transcript NM_006389.5 (MANE Select); coding-DNA position 2409, G replaced by C.
Protein change: p.Lys803Asn; replaces lysine 803 with asparagine.
Molecular consequence: missense variant.
Genome position (GRCh38, 1-based): chr11:119,048,048, C>G on the plus strand (G>C on the coding strand, the complement: HYOU1 is on the minus strand). VCF-style: chr11-119048048-C-G. GRCh37 (hg19) VCF-style: chr11-118918760-C-G.
Other names: c.2409G>C, p.Lys803Asn (NM_001130991.3); short protein forms K803N.
Identifiers: ClinVar variation 1357793 (VCV001357793.8), dbSNP rs1944190347, ClinGen allele CA382924440.